The following is an entry in ClinVar:

ClinVar aggregate classification (germline): Uncertain significance (1 of 4 stars; one submission).

Submission:

Ambry Genetics
Classification: Uncertain significance. Last evaluated: 2026-01-06. Review status: criteria provided, single submitter. Criteria: Ambry Variant Classification Scheme 2023. Collection method: clinical testing. Allele origin: germline.
Comment: The p.M135I variant (also known as c.405G>A), located in coding exon 4 of the ILK gene, results from a G to A substitution at nucleotide position 405. The methionine at codon 135 is replaced by isoleucine, an amino acid with highly similar properties. This amino acid position is conserved. In addition, this alteration is predicted to be tolerated by in silico analysis. Based on the available evidence, the clinical significance of this variant remains unclear.

NM_004517.4(ILK):c.405G>A (p.Met135Ile)

Genes: TAF10 (TATA-box binding protein associated factor 10; minus strand), ILK (integrin linked kinase; plus strand). Cytogenetic location: 11p15.4.
Variant type: single nucleotide variant.
Coding change: c.405G>A on transcript NM_004517.4 (MANE Select); coding-DNA position 405, G replaced by A.
Protein change: p.Met135Ile; replaces methionine 135 with isoleucine.
Molecular consequence: missense variant. On other transcripts: initiator codon variant (1), 3 prime UTR variant (1), intron variant (1).
Genome position (GRCh38, 1-based): chr11:6,608,747, G>A. VCF-style: chr11-6608747-G-A. GRCh37 (hg19) VCF-style: chr11-6629977-G-A.
Other names: c.405G>A, p.Met135Ile (NM_001014794.3, NM_001014795.3); c.3G>A, p.Met1Ile (NM_001278442.2); c.*2175C>T (NM_006284.4); c.352-137G>A (NM_001278441.2); short protein forms M135I, M1I.
Identifiers: ClinVar variation 4843048 (VCV004843048.1).